The following is an entry in ClinVar:

NM_001166108.2(PALLD):c.3267G>C (p.Gln1089His)

Genes: CBR4 (carbonyl reductase 4; minus strand), PALLD (palladin, cytoskeletal associated protein; plus strand). Cytogenetic location: 4q32.3.
Variant type: single nucleotide variant.
Coding change: c.3267G>C on transcript NM_001166108.2 (MANE Select); coding-DNA position 3267, G replaced by C.
Protein change: p.Gln1089His; replaces glutamine 1089 with histidine.
Molecular consequence: missense variant.
Genome position (GRCh38, 1-based): chr4:168,924,987, G>C. VCF-style: chr4-168924987-G-C. GRCh37 (hg19) VCF-style: chr4-169846138-G-C.
Other names: c.2070G>C, p.Gln690His (NM_001166109.2); c.1755G>C, p.Gln585His (NM_001166110.2); c.1095G>C, p.Gln365His (NM_001367567.1, NM_001367569.1); c.1146G>C, p.Gln382His (NM_001367568.1, NM_001367570.1); c.3216G>C, p.Gln1072His (NM_016081.4); short protein forms Q365H, Q1089H, Q382H, Q690H, Q1072H, Q585H.
Identifiers: ClinVar variation 1728991 (VCV001728991.2), dbSNP rs2534267865, ClinGen allele CA358713706.
Genomic context (GRCh38, chr4:168,924,987, plus strand): 5'-CTTTATCCTTTTCTCCAGCATGCACCAGGACAACCACGGCTACATCTGCCTGCTCATTCA[G>C]GGAGCCACAAAAGAAGATGCTGGGTGGTATACTGTGTCAGCCAAGAATGAAGCAGGGATT-3'
Protein context (NP_001159580.1, residues 1079-1099): DNHGYICLLI[Gln1089His]GATKEDAGWY

ClinVar aggregate classification (germline): Uncertain significance (1 of 4 stars; one submission).

Submission:

Ambry Genetics
Classification: Uncertain significance. Last evaluated: 2022-09-28. Review status: criteria provided, single submitter. Criteria: Ambry Variant Classification Scheme 2023. Collection method: clinical testing. Allele origin: germline.
Comment: The p.Q1072H variant (also known as c.3216G>C), located in coding exon 18 of the PALLD gene, results from a G to C substitution at nucleotide position 3216. The glutamine at codon 1072 is replaced by histidine, an amino acid with highly similar properties. This amino acid position is conserved. In addition, the in silico prediction for this alteration is inconclusive. Since supporting evidence is limited at this time, the clinical significance of this alteration remains unclear.